The following is an entry in ClinVar:

NM_001283009.2(RTEL1):c.1998G>T (p.Met666Ile)

Genes: RTEL1 (regulator of telomere elongation helicase 1; plus strand), RTEL1-TNFRSF6B (RTEL1-TNFRSF6B readthrough (NMD candidate); plus strand). Cytogenetic location: 20q13.33.
Variant type: single nucleotide variant.
Coding change: c.1998G>T on transcript NM_001283009.2 (MANE Select); coding-DNA position 1998, G replaced by T.
Protein change: p.Met666Ile; replaces methionine 666 with isoleucine.
Molecular consequence: missense variant. On other transcripts: non-coding transcript variant (1).
Genome position (GRCh38, 1-based): chr20:63,689,621, G>T. VCF-style: chr20-63689621-G-T. GRCh37 (hg19) VCF-style: chr20-62320974-G-T.
Other names: c.1329G>T, p.Met443Ile (NM_001283010.1); c.1998G>T, p.Met666Ile (NM_016434.4); c.2070G>T, p.Met690Ile (NM_032957.5); short protein forms M443I, M690I, M666I.
Identifiers: ClinVar variation 2172840 (VCV002172840.2), dbSNP rs140566414, ClinGen allele CA9965102.

ClinVar aggregate classification (germline): Uncertain significance (1 of 4 stars; one submission).

Conditions:
Pulmonary fibrosis and/or bone marrow failure, Telomere-related, 3. Also called: PULMONARY FIBROSIS AND/OR BONE MARROW FAILURE SYNDROME, TELOMERE-RELATED, 3. Identifiers: Orphanet 2032, MedGen C4225346, MONDO:0014613, OMIM 616373.
Dyskeratosis congenita, autosomal recessive 5 (DKCB5). Identifiers: MedGen C3554656, MONDO:0014076, OMIM 615190.

Allele frequency attached by ClinVar (database versions not stated): TOPMed 0.00002; gnomAD 0.00001; ESP Exome Variant Server 0.00008; ExAC 0.00002.
gnomAD v4.1: 2 of 1,612,166 alleles (0.00012%); highest among the groups gnomAD compares: Non-Finnish European, 0.00017%; no homozygotes.

Submission:

Labcorp Genetics (formerly Invitae), Labcorp
Classification: Uncertain significance for Dyskeratosis congenita, autosomal recessive 5; Pulmonary fibrosis and/or bone marrow failure, Telomere-related, 3. Last evaluated: 2025-12-01. Review status: criteria provided, single submitter. Criteria: Invitae Variant Classification Sherloc (09022015). Collection method: clinical testing. Allele origin: germline.
Comment: This sequence change replaces methionine, which is neutral and non-polar, with isoleucine, which is neutral and non-polar, at codon 666 of the RTEL1 protein (p.Met666Ile). The frequency data for this variant in the population databases is considered unreliable, as metrics indicate poor data quality at this position in the gnomAD database. This variant has not been reported in the literature in individuals affected with RTEL1-related conditions. ClinVar contains an entry for this variant (Variation ID: 2172840). An algorithm developed to predict the effect of missense changes on protein structure and function outputs the following: PolyPhen-2: "Benign". The isoleucine amino acid residue is found in multiple mammalian species, which suggests that this missense change does not adversely affect protein function. In summary, the available evidence is currently insufficient to determine the role of this variant in disease. Therefore, it has been classified as a Variant of Uncertain Significance.